The following is an entry in ClinVar:

NM_007254.4(PNKP):c.1459G>A (p.Glu487Lys)

Gene: PNKP (polynucleotide kinase 3'-phosphatase; minus strand). Cytogenetic location: 19q13.33.
Variant type: single nucleotide variant.
Coding change: c.1459G>A on transcript NM_007254.4 (MANE Select); coding-DNA position 1459, G replaced by A.
Protein change: p.Glu487Lys; replaces glutamic acid 487 with lysine.
Molecular consequence: missense variant.
Genome position (GRCh38, 1-based): chr19:49,861,355, C>T on the plus strand (G>A on the coding strand, the complement: PNKP is on the minus strand). VCF-style: chr19-49861355-C-T. GRCh37 (hg19) VCF-style: chr19-50364612-C-T.
Other names: short protein forms E487K.
Identifiers: ClinVar variation 1950462 (VCV001950462.5), dbSNP rs1440095819, ClinGen allele CA406932563.

ClinVar aggregate classification (germline): Uncertain significance (1 of 4 stars; one submission).

Conditions:
Developmental and epileptic encephalopathy, 12 (DEE12). Identifiers: MedGen C3150988, MONDO:0013389, OMIM 613722.

gnomAD v4.1: 11 of 1,614,138 alleles (0.00068%); highest among the groups gnomAD compares: Non-Finnish European, 0.00076%; no homozygotes.

Submission:

Labcorp Genetics (formerly Invitae), Labcorp
Classification: Uncertain significance for Developmental and epileptic encephalopathy, 12. Last evaluated: 2022-02-18. Review status: criteria provided, single submitter. Criteria: Invitae Variant Classification Sherloc (09022015). Collection method: clinical testing. Allele origin: germline.
Comment: In summary, the available evidence is currently insufficient to determine the role of this variant in disease. Therefore, it has been classified as a Variant of Uncertain Significance. Algorithms developed to predict the effect of missense changes on protein structure and function output the following: SIFT: "Tolerated"; PolyPhen-2: "Benign"; Align-GVGD: "Class C0". The lysine amino acid residue is found in multiple mammalian species, which suggests that this missense change does not adversely affect protein function. This variant has not been reported in the literature in individuals affected with PNKP-related conditions. This variant is not present in population databases (gnomAD no frequency). This sequence change replaces glutamic acid, which is acidic and polar, with lysine, which is basic and polar, at codon 487 of the PNKP protein (p.Glu487Lys).